The following is an entry in ClinVar:

ClinVar aggregate classification (germline): Uncertain significance (1 of 4 stars; one submission).

Submission:

GeneDx
Classification: Uncertain significance. Last evaluated: 2026-03-15. Review status: criteria provided, single submitter. Criteria: GeneDx Variant Classification Process June 2021. Collection method: clinical testing. Allele origin: germline.
Comment: Not observed at significant frequency in large population cohorts (gnomAD); In silico analysis suggests that this missense variant does not alter protein structure/function; Has not been previously published as pathogenic or benign to our knowledge

NM_007118.4(TRIO):c.66C>G (p.Ser22Arg)

Gene: TRIO (trio Rho guanine nucleotide exchange factor; plus strand). Cytogenetic location: 5p15.2.
Variant type: single nucleotide variant.
Coding change: c.66C>G on transcript NM_007118.4 (MANE Select); coding-DNA position 66, C replaced by G.
Protein change: p.Ser22Arg; replaces serine 22 with arginine.
Molecular consequence: missense variant. On other transcripts: non-coding transcript variant (1).
Genome position (GRCh38, 1-based): chr5:14,143,791, C>G. VCF-style: chr5-14143791-C-G. GRCh37 (hg19) VCF-style: chr5-14143900-C-G.
Other names: short protein forms S22R.
Identifiers: ClinVar variation 5009178 (VCV005009178.1).
Genomic context (GRCh38, chr5:14,143,791, plus strand): 5'-CGGCAGCAGCGGCGGAGCCGCCGCCCCCGCCGCGTCCTCCGGCCCCGCCGCGGCGGCCAG[C>G]GCGGCTGGCTCGGGCTGCGGGGGCGGTGCCGGCGAGGGGGCAGAGGAGGCGGCCAAGGAC-3'
Protein context (NP_009049.2, residues 12-32): AASSGPAAAA[Ser22Arg]AAGSGCGGGA